The following is an entry in ClinVar:

ClinVar aggregate classification (germline): Uncertain significance (1 of 4 stars; one submission).

Conditions:
Hereditary cancer-predisposing syndrome. Also called: Neoplastic Syndromes, Hereditary; Tumor predisposition; Hereditary Cancer Syndrome; Hereditary neoplastic syndrome. Identifiers: Orphanet 140162, MedGen C0027672, MeSH D009386, MONDO:0015356.

Submission:

Ambry Genetics
Classification: Uncertain significance for Hereditary cancer-predisposing syndrome. Last evaluated: 2026-05-30. Review status: criteria provided, single submitter. Criteria: Ambry Variant Classification Scheme 2023. Collection method: clinical testing. Allele origin: germline.
Comment: The p.D1440H variant (also known as c.4318G>C), located in coding exon 22 of the DICER1 gene, results from a G to C substitution at nucleotide position 4318. The aspartic acid at codon 1440 is replaced by histidine, an amino acid with similar properties. This amino acid position is conserved. In addition, this alteration is predicted to be deleterious by in silico analysis. Based on the available evidence, the clinical significance of this variant remains unclear.

NM_177438.3(DICER1):c.4318G>C (p.Asp1440His)

Gene: DICER1 (dicer 1, ribonuclease III; minus strand). Cytogenetic location: 14q32.13.
Variant type: single nucleotide variant.
Coding change: c.4318G>C on transcript NM_177438.3 (MANE Select); coding-DNA position 4318, G replaced by C.
Protein change: p.Asp1440His; replaces aspartic acid 1440 with histidine.
Molecular consequence: missense variant. On other transcripts: non-coding transcript variant (6).
Genome position (GRCh38, 1-based): chr14:95,096,602, C>G on the plus strand (G>C on the coding strand, the complement: DICER1 is on the minus strand). VCF-style: chr14-95096602-C-G. GRCh37 (hg19) VCF-style: chr14-95562939-C-G.
Other names: c.4318G>C, p.Asp1440His (NM_001195573.1, NM_001271282.3, NM_001291628.2 and 12 more transcripts); c.4036G>C, p.Asp1346His (NM_001395686.1); c.3913G>C, p.Asp1305His (NM_001395687.1, NM_001395688.1, NM_001395689.1 and 2 more transcripts); c.3751G>C, p.Asp1251His (NM_001395691.1); c.2635G>C, p.Asp879His (NM_001395697.1); short protein forms D1251H, D1305H, D1346H, D1440H, D879H.
Identifiers: ClinVar variation 4869807 (VCV004869807.1).
Genomic context (GRCh38, chr14:95,096,602, plus strand): 5'-ACCCCATTAACATATTATCTATAAATCTGATATGTTCCTGATCATACTCCAGGAAATCAT[C>G]TTCATAGTCAGCCTCTTCCTTCGGAGCCCTCCACATCAGGCTCTCCTCCTCCTCATCCTC-3'
Protein context (NP_803187.1, residues 1430-1450): RAPKEEADYE[Asp1440His]DFLEYDQEHI